The following is an entry in ClinVar:

NM_000129.4(F13A1):c.996A>C (p.Pro332=)

Gene: F13A1 (coagulation factor XIII A chain; minus strand). Cytogenetic location: 6p25.1.
Variant type: single nucleotide variant.
Coding change: c.996A>C on transcript NM_000129.4 (MANE Select); coding-DNA position 996, A replaced by C.
Protein change: p.Pro332=; no amino-acid change (proline 332 retained).
Molecular consequence: synonymous variant.
Genome position (GRCh38, 1-based): chr6:6,222,149, T>G on the plus strand (A>C on the coding strand, the complement: F13A1 is on the minus strand). VCF-style: chr6-6222149-T-G. GRCh37 (hg19) VCF-style: chr6-6222382-T-G.
Other names: p.Pro332=.
Identifiers: ClinVar variation 255187 (VCV000255187.11), dbSNP rs5981, ClinGen allele CA3624493.
Genomic context (GRCh38, chr6:6,222,149, plus strand): 5'-GTCCATTTGCAAATTGGCATCATTATCATGGGCAGAGAAATAATTGGTAACAATTCTTGC[T>G]GGTATTCCAAGGCATCGTAAAACTACAGGAAAGGACAGACCACAGCTAAACACATCACCA-3'
Protein context (NP_000120.2, residues 322-342): FNTFLRCLGI[Pro332=]ARIVTNYFSA

ClinVar aggregate classification (germline): Benign. Review status: criteria provided, multiple submitters, no conflicts (2 of 4 stars). 6 submissions from 6 submitters: Benign (6). Last evaluated 2026-05-11.

Conditions:
Factor XIII, A subunit, deficiency of. Also called: Factor XIII subunit A deficiency. Identifiers: Orphanet 331, MedGen C2750514, MONDO:0013187, OMIM 613225, HP:0040233.

Allele frequency attached by ClinVar (database versions not stated): 1000 Genomes Project 30x 0.09026; 1000 Genomes Project 0.09345; TOPMed 0.14372; gnomAD 0.15018 and 0.15230; ESP Exome Variant Server 0.15785.
gnomAD v4.1: 295,861 of 1,613,808 alleles (18%); highest among the groups gnomAD compares: Non-Finnish European, 20%; 28,921 homozygotes.

Submissions (6):

Women's Health and Genetics/Laboratory Corporation of America, LabCorp
Classification: Benign. Last evaluated: 2026-05-11. Review status: criteria provided, single submitter. Criteria: LabCorp Variant Classification Summary - May 2015. Collection method: clinical testing. Allele origin: germline.

Blueprint Genetics
Classification: Benign. Last evaluated: 2024-11-27. Review status: criteria provided, single submitter. Criteria: ACMG Guidelines, 2015. Collection method: clinical testing. Allele origin: germline.

Mayo Clinic Laboratories, Mayo Clinic
Classification: Benign. Last evaluated: 2022-05-03. Review status: criteria provided, single submitter. Criteria: ACMG Guidelines, 2015. Collection method: clinical testing. Allele origin: germline. Observed: 60 variant alleles.
Comment: BS1, BS2, BP7

GeneDx
Classification: Benign. Last evaluated: 2021-06-09. Review status: criteria provided, single submitter. Criteria: GeneDx Variant Classification Process June 2021. Collection method: clinical testing. Allele origin: germline. Affected: yes.

Illumina Laboratory Services, Illumina
Classification: Benign for Factor XIII, A subunit, deficiency of. Last evaluated: 2018-01-12. Review status: criteria provided, single submitter. Criteria: ICSL Variant Classification Criteria 13 December 2019. Collection method: clinical testing. Allele origin: germline.
Comment: This variant was observed in the ICSL laboratory as part of a predisposition screen in an ostensibly healthy population. It had not been previously curated by ICSL or reported in the Human Gene Mutation Database (HGMD: prior to June 1st, 2018), and was therefore a candidate for classification through an automated scoring system. Utilizing variant allele frequency, disease prevalence and penetrance estimates, and inheritance mode, an automated score was calculated to assess if this variant is too frequent to cause the disease. Based on the score and internal cut-off values, a variant classified as benign is not then subjected to further curation. The score for this variant resulted in a classification of benign for this disease.

PreventionGenetics, part of Exact Sciences
Classification: Benign. Review status: criteria provided, single submitter. Criteria: ACMG Guidelines, 2015. Collection method: clinical testing. Allele origin: germline.